The following is an entry in ClinVar:

ClinVar aggregate classification (germline): Benign/Likely benign. Review status: criteria provided, multiple submitters, no conflicts (2 of 4 stars). 3 submissions from 3 submitters: Benign (1); Likely benign (2). Last evaluated 2025-07-27.

Conditions:
POLD1-related polyposis and colorectal cancer syndrome (CRCS10). Also called: Colorectal cancer 10; COLORECTAL CANCER, SUSCEPTIBILITY TO, ON CHROMOSOME 19q; Colorectal cancer, susceptibility to, 10. Identifiers: Orphanet 220460, MedGen C2675481, MONDO:0012953, OMIM 612591.
Hereditary cancer-predisposing syndrome. Also called: Tumor predisposition; Hereditary Cancer Syndrome; Hereditary neoplastic syndrome; Neoplastic Syndromes, Hereditary. Identifiers: Orphanet 140162, MedGen C0027672, MeSH D009386, MONDO:0015356.

gnomAD v4.1: 1 of 1,561,812 alleles (0.000064%); highest among the groups gnomAD compares: Admixed American, 0.0019%; no homozygotes.

Submissions (3):

Labcorp Genetics (formerly Invitae), Labcorp
Classification: Likely benign for POLD1-related polyposis and colorectal cancer syndrome. Last evaluated: 2025-07-27. Review status: criteria provided, single submitter. Criteria: Invitae Variant Classification Sherloc (09022015). Collection method: clinical testing. Allele origin: germline.

Myriad Genetics, Inc.
Classification: Benign for POLD1-related polyposis and colorectal cancer syndrome. Last evaluated: 2025-02-05. Review status: criteria provided, single submitter. Criteria: Myriad Autosomal Dominant, Autosomal Recessive and X-Linked Classification Criteria (2023). Collection method: clinical testing. Allele origin: unknown.
Comment: This variant is considered benign. This variant is a silent/synonymous amino acid change and it is not expected to impact splicing.

Ambry Genetics
Classification: Likely benign for Hereditary cancer-predisposing syndrome. Last evaluated: 2023-12-21. Review status: criteria provided, single submitter. Criteria: Ambry Variant Classification Scheme 2023. Collection method: clinical testing. Allele origin: germline.

NM_002691.4(POLD1):c.1107G>A (p.Gln369=)

Gene: POLD1 (DNA polymerase delta 1, catalytic subunit; plus strand). Cytogenetic location: 19q13.33.
Variant type: single nucleotide variant.
Coding change: c.1107G>A on transcript NM_002691.4 (MANE Select); coding-DNA position 1107, G replaced by A.
Protein change: p.Gln369=; no amino-acid change (glutamine 369 retained).
Molecular consequence: synonymous variant. On other transcripts: non-coding transcript variant (1).
Genome position (GRCh38, 1-based): chr19:50,403,189, G>A. VCF-style: chr19-50403189-G-A. GRCh37 (hg19) VCF-style: chr19-50906446-G-A.
Other names: c.1107G>A, p.Gln369= (NM_001256849.1, NM_001308632.1); c.1107G>A (NM_002691.2).
Identifiers: ClinVar variation 1980046 (VCV001980046.6), dbSNP rs1400257948, ClinGen allele CA508182769.